The following is an entry in ClinVar:

ClinVar aggregate classification (germline): Uncertain significance (1 of 4 stars; one submission).

Conditions:
NRIP1-related disorder. Also called: NRIP1-related condition.

Submission:

PreventionGenetics, part of Exact Sciences
Classification: Uncertain significance for NRIP1-related condition. Last evaluated: 2022-09-16. Review status: criteria provided, single submitter. Criteria: ACMG Guidelines, 2015. Collection method: clinical testing. Allele origin: germline.
Comment: The NRIP1 c.2230_2233delAGAG variant is predicted to result in a frameshift and premature protein termination (p.Arg744Leufs*2). To our knowledge, this variant has not been reported in the literature or in a large population database, indicating this variant is rare. This variant resides in the final exon of this gene, and it is unclear if the resulting mRNA would undergo nonsense-mediated decay. At this time, the clinical significance of this variant is uncertain due to the absence of conclusive functional and genetic evidence.

NM_003489.4(NRIP1):c.2230_2233del (p.Arg744fs)

Gene: NRIP1 (nuclear receptor interacting protein 1; minus strand). Cytogenetic location: 21q11.2.
Variant type: Microsatellite.
Coding change: c.2230_2233del on transcript NM_003489.4 (MANE Select); coding-DNA positions 2230 to 2233, 4 bases deleted (AGAG; older notation c.2230_2233delAGAG).
Protein change: p.Arg744fs; shifts the reading frame from arginine 744.
Molecular consequence: frameshift variant.
Genome position (GRCh38, 1-based): chr21:14,965,960-14,965,963, CTCT deleted on the plus strand (AGAG on the coding strand, the reverse complement: NRIP1 is on the minus strand); deleting any 4 consecutive bases within chr21:14,965,960-14,965,967 gives the same sequence; the c. name uses the placement nearest the transcript's 3' end. VCF-style (leftmost placement, unchanged base first): chr21-14965959-GCTCT-G. GRCh37 (hg19) VCF-style: chr21-16338280-GCTCT-G.
Other names: short protein forms R744fs.
Identifiers: ClinVar variation 2634992 (VCV002634992.1), dbSNP rs1323241017, ClinGen allele CA637153251.